The following is an entry in ClinVar:

GRCh38/hg38 5q31.3(chr5:141185055-141211630)x1

Genes: PCDHB10 (protocadherin beta 10; plus strand), PCDHB11 (protocadherin beta 11; plus strand), PCDHB12 (protocadherin beta 12; plus strand), PCDHB16 (protocadherin beta 16; plus strand), PCDHB9 (protocadherin beta 9; plus strand) and 1 more. Cytogenetic location: 5q31.3.
Variant type: copy number loss.
Change: copy number 1 (one copy instead of two) of chr5:141,185,055-141,211,630 (26.6 kb, GRCh38 coordinates, 1-based), cytogenetic band 5q31.3.
Identifiers: ClinVar variation 58791 (VCV000058791.1).

ClinVar aggregate classification (germline): Uncertain significance (1 of 4 stars; one submission).

Submission:

ISCA site 15
Classification: Uncertain significance. Last evaluated: 2011-08-12. Review status: criteria provided, single submitter. Criteria: Kaminsky et al. (Genet Med. 2011). Collection method: clinical testing. Allele origin: unknown. Affected: yes. Observed: 1 variant allele.
Comment: Copy number variation identified through the course of routine clinical cytogenomic testing in postnatal populations. Clinical assertions have been curated as described in Kaminsky et al. 2011.